The following is an entry in ClinVar:

NM_183050.4(BCKDHB):c.245A>G (p.Asp82Gly)

Gene: BCKDHB (branched chain keto acid dehydrogenase E1 subunit beta; plus strand). Cytogenetic location: 6q14.1.
Variant type: single nucleotide variant.
Coding change: c.245A>G on transcript NM_183050.4 (MANE Select); coding-DNA position 245, A replaced by G.
Protein change: p.Asp82Gly; replaces aspartic acid 82 with glycine.
Molecular consequence: missense variant. On other transcripts: non-coding transcript variant (1).
Genome position (GRCh38, 1-based): chr6:80,127,595, A>G. VCF-style: chr6-80127595-A-G. GRCh37 (hg19) VCF-style: chr6-80837312-A-G.
Other names: c.245A>G, p.Asp82Gly (NM_000056.5); c.35A>G, p.Asp12Gly (NM_001318975.1); short protein forms D82G, D12G.
Identifiers: ClinVar variation 358170 (VCV000358170.9), dbSNP rs150769284, ClinGen allele CA3902546.
Genomic context (GRCh38, chr6:80,127,595, plus strand): 5'-TGATTTTCACAGGGCAAACTCAGAAAATGAATCTTTTCCAGTCTGTAACAAGTGCCTTGG[A>G]TAACTCATTGGCCAAAGATCCTACTGCAGGTAACCCTGATATGTGCCTGAATTGTGGTAG-3'
Protein context (NP_898871.1, residues 72-92): NLFQSVTSAL[Asp82Gly]NSLAKDPTAV

ClinVar aggregate classification (germline): Uncertain significance. Review status: criteria provided, multiple submitters, no conflicts (2 of 4 stars). 4 submissions from 4 submitters: Uncertain significance (3). 1 of the submissions does not count toward it. Last evaluated 2025-10-23.

Conditions:
Maple syrup urine disease (MSUD). Identifiers: Orphanet 511, MedGen C0024776, MeSH D008375, MONDO:0009563. Disease mechanism: loss of function.
Inborn genetic diseases. Identifiers: MedGen C0950123, MeSH D030342.
Maple syrup urine disease type 1B (MSUD1B). Also called: MSUD type IB; MSUD type 3 (formerly); MSUD due to deficiency of e1-beta subunit of branched-chain alpha-keto acid dehydrogenase complex. Identifiers: MedGen C2930990, MONDO:0023692, OMIM 620698.

Allele frequency attached by ClinVar (database versions not stated): gnomAD 0.00001; gnomAD exomes 0.00001 and 0.00002; ExAC 0.00002; TOPMed 0.00004; ESP Exome Variant Server 0.00031.
gnomAD v4.1: 22 of 1,613,286 alleles (0.0014%); highest among the groups gnomAD compares: Non-Finnish European, 0.0018%; no homozygotes.

Submissions (4):

Ambry Genetics
Classification: Uncertain significance for Inborn genetic diseases. Last evaluated: 2025-10-23. Review status: criteria provided, single submitter. Criteria: Ambry Variant Classification Scheme 2023. Collection method: clinical testing. Allele origin: germline.

Labcorp Genetics (formerly Invitae), Labcorp
Classification: Uncertain significance for Maple syrup urine disease. Last evaluated: 2025-02-03. Review status: criteria provided, single submitter. Criteria: Invitae Variant Classification Sherloc (09022015). Collection method: clinical testing. Allele origin: germline.
Comment: This sequence change replaces aspartic acid, which is acidic and polar, with glycine, which is neutral and non-polar, at codon 82 of the BCKDHB protein (p.Asp82Gly). This variant is present in population databases (rs150769284, gnomAD 0.003%). This variant has not been reported in the literature in individuals affected with BCKDHB-related conditions. ClinVar contains an entry for this variant (Variation ID: 358170). Invitae Evidence Modeling of protein sequence and biophysical properties (such as structural, functional, and spatial information, amino acid conservation, physicochemical variation, residue mobility, and thermodynamic stability) indicates that this missense variant is not expected to disrupt BCKDHB protein function with a negative predictive value of 80%. In summary, the available evidence is currently insufficient to determine the role of this variant in disease. Therefore, it has been classified as a Variant of Uncertain Significance.

Illumina Laboratory Services, Illumina
Classification: Uncertain significance for Maple syrup urine disease type 1A. Last evaluated: 2018-01-13. Review status: criteria provided, single submitter. Criteria: ICSL Variant Classification Criteria 13 December 2019. Collection method: clinical testing. Allele origin: germline.

Natera, Inc.
Classification: Uncertain significance for Maple syrup urine disease type 1B. Last evaluated: 2020-04-13. Review status: no assertion criteria provided. Collection method: clinical testing. Allele origin: germline. Not counted in ClinVar's aggregate classification.